The following is an entry in ClinVar:

ClinVar aggregate classification (germline): Likely benign. Review status: criteria provided, multiple submitters, no conflicts (2 of 4 stars). 4 submissions from 4 submitters: Likely benign (4). Last evaluated 2025-10-18.

Conditions:
Early-infantile DEE. Also called: Early infantile epileptic encephalopathy; Ohtahara syndrome; Early infantile epileptic encephalopathy with suppression bursts. Identifiers: Orphanet 1934, MedGen C0393706, MONDO:0800491.

Allele frequency attached by ClinVar (database versions not stated): gnomAD 0.00001 and 0.00002; TOPMed 0.00001; gnomAD exomes 0.00005; ExAC 0.00006.
gnomAD v4.1: 45 of 1,614,058 alleles (0.0028%); highest among the groups gnomAD compares: Non-Finnish European, 0.0035%; no homozygotes.

Submissions (4):

Labcorp Genetics (formerly Invitae), Labcorp
Classification: Likely benign for Early-infantile DEE. Last evaluated: 2025-10-18. Review status: criteria provided, single submitter. Criteria: Invitae Variant Classification Sherloc (09022015). Collection method: clinical testing. Allele origin: germline.

CeGaT Center for Human Genetics Tuebingen
Classification: Likely benign. Last evaluated: 2024-08-01. Review status: criteria provided, single submitter. Criteria: CeGaT Center For Human Genetics Tuebingen Variant Classification Criteria Version 2. Collection method: clinical testing. Allele origin: germline. Affected: yes. Observed: 2 variant alleles.
Comment: SCN1A: BP4, BP7

Blueprint Genetics
Classification: Likely benign. Last evaluated: 2023-11-03. Review status: criteria provided, single submitter. Criteria: ACMG Guidelines, 2015. Collection method: clinical testing. Allele origin: germline.

GeneDx
Classification: Likely benign. Last evaluated: 2015-12-11. Review status: criteria provided, single submitter. Criteria: GeneDx Variant Classification (06012015). Collection method: clinical testing. Allele origin: germline. Affected: yes.
Comment: This variant is considered likely benign or benign based on one or more of the following criteria: it is a conservative change, it occurs at a poorly conserved position in the protein, it is predicted to be benign by multiple in silico algorithms, and/or has population frequency not consistent with disease.

NM_001165963.4(SCN1A):c.2715C>T (p.Ala905=)

Gene: SCN1A (sodium voltage-gated channel alpha subunit 1; minus strand). Cytogenetic location: 2q24.3.
Variant type: single nucleotide variant.
Coding change: c.2715C>T on transcript NM_001165963.4 (MANE Select); coding-DNA position 2715, C replaced by T.
Protein change: p.Ala905=; no amino-acid change (alanine 905 retained).
Molecular consequence: synonymous variant. On other transcripts: non-coding transcript variant (1).
Genome position (GRCh38, 1-based): chr2:166,038,007, G>A on the plus strand (C>T on the coding strand, the complement: SCN1A is on the minus strand). VCF-style: chr2-166038007-G-A. GRCh37 (hg19) VCF-style: chr2-166894517-G-A.
Other names: c.2631C>T, p.Ala877= (NM_001165964.3, NM_001353957.2, NM_001353958.2); c.2715C>T, p.Ala905= (NM_001202435.3, NM_001353948.2); c.2682C>T, p.Ala894= (NM_001353949.2, NM_001353950.2, NM_001353951.2 and 2 more transcripts); c.2679C>T, p.Ala893= (NM_001353954.2, NM_001353955.2); c.2628C>T, p.Ala876= (NM_001353960.2); c.273C>T, p.Ala91= (NM_001353961.2).
Identifiers: ClinVar variation 382297 (VCV000382297.36), dbSNP rs778280690, ClinGen allele CA1943053.